The following is an entry in ClinVar:

ClinVar aggregate classification (germline): Uncertain significance. Review status: criteria provided, multiple submitters, no conflicts (2 of 4 stars). 2 submissions from 2 submitters: Uncertain significance (2). Last evaluated 2021-12-07.

Conditions:
Lethal Kniest-like syndrome (DDSH). Also called: Dyssegmental Dysplasia. Identifiers: Orphanet 1865, MedGen C1857100, MONDO:0009140, OMIM 224410.
Schwartz-Jampel syndrome type 1 (SJS1). Also called: MYOTONIC MYOPATHY, DWARFISM, CHONDRODYSTROPHY, AND OCULAR AND FACIAL ABNORMALITIES; CHONDRODYSTROPHIC MYOTONIA. Identifiers: MedGen C4551479, MONDO:0100435, OMIM 255800.

Allele frequency attached by ClinVar (database versions not stated): gnomAD exomes 0.00001.
gnomAD v4.1: 6 of 1,602,442 alleles (0.00037%); highest among the groups gnomAD compares: Admixed American, 0.0017%; no homozygotes.

Submissions (2):

Fulgent Genetics
Classification: Uncertain significance for Lethal Kniest-like syndrome; Schwartz-Jampel syndrome type 1. Last evaluated: 2021-12-07. Review status: criteria provided, single submitter. Criteria: ACMG Guidelines, 2015. Collection method: clinical testing. Allele origin: unknown.

Labcorp Genetics (formerly Invitae), Labcorp
Classification: Uncertain significance. Last evaluated: 2021-05-12. Review status: criteria provided, single submitter. Criteria: Invitae Variant Classification Sherloc (09022015). Collection method: clinical testing. Allele origin: germline.
Comment: This variant is not present in population databases (ExAC no frequency). This variant has not been reported in the literature in individuals with HSPG2-related conditions. Algorithms developed to predict the effect of sequence changes on RNA splicing suggest that this variant may disrupt the consensus splice site, but this prediction has not been confirmed by published transcriptional studies. In summary, the available evidence is currently insufficient to determine the role of this variant in disease. Therefore, it has been classified as a Variant of Uncertain Significance. This sequence change falls in intron 53 of the HSPG2 gene. It does not directly change the encoded amino acid sequence of the HSPG2 protein.

NM_005529.7(HSPG2):c.6871-10G>A

Genes: HSPG2 (heparan sulfate proteoglycan 2; minus strand), LOC126805655 (CDK7 strongly-dependent group 2 enhancer GRCh37_chr1:22178409-22179608; plus strand). Cytogenetic location: 1p36.12.
Variant type: single nucleotide variant.
Coding change: c.6871-10G>A on transcript NM_005529.7 (MANE Select); 10 bases into the intron before coding-DNA position 6871, G replaced by A.
Molecular consequence: intron variant.
Genome position (GRCh38, 1-based): chr1:21,851,936, C>T on the plus strand (G>A on the coding strand, the complement: HSPG2 is on the minus strand). VCF-style: chr1-21851936-C-T. GRCh37 (hg19) VCF-style: chr1-22178429-C-T.
Other names: c.6874-10G>A (NM_001291860.2).
Identifiers: ClinVar variation 1474534 (VCV001474534.8), dbSNP rs1342636987, ClinGen allele CA521900414.